The following is an entry in ClinVar:

ClinVar aggregate classification (germline): Uncertain significance (1 of 4 stars; one submission).

Submission:

Labcorp Genetics (formerly Invitae), Labcorp
Classification: Uncertain significance. Last evaluated: 2023-05-01. Review status: criteria provided, single submitter. Criteria: Invitae Variant Classification Sherloc (09022015). Collection method: clinical testing. Allele origin: germline.
Comment: In summary, the available evidence is currently insufficient to determine the role of this variant in disease. Therefore, it has been classified as a Variant of Uncertain Significance. This sequence change falls in intron 3 of the DEAF1 gene. It does not directly change the encoded amino acid sequence of the DEAF1 protein. Information on the frequency of this variant in the gnomAD database is not available, as this variant may be reported differently in the database. This variant has not been reported in the literature in individuals affected with DEAF1-related conditions. Experimental studies and prediction algorithms are not available or were not evaluated, and the effect of this variant on mRNA splicing is currently unknown.

NM_021008.4(DEAF1):c.517+18_517+19delinsGT

Gene: DEAF1 (DEAF1 transcription factor; minus strand). Cytogenetic location: 11p15.5.
Variant type: Indel.
Coding change: c.517+18_517+19delinsGT on transcript NM_021008.4 (MANE Select); bases 18 to 19 of the intron after coding-DNA position 517, CC replaced by GT.
Molecular consequence: intron variant.
Genome position (GRCh38, 1-based): chr11:688,312-688,313, GG replaced by AC on the plus strand (CC replaced by GT on the coding strand, the reverse complement: DEAF1 is on the minus strand). VCF-style: chr11-688312-GG-AC. GRCh37 (hg19) VCF-style: chr11-688312-GG-AC.
Other names: c.-210+18_-210+19delinsGT (NM_001367390.1, NM_001440887.1, NM_001440886.1); c.-209-256_-209-255delinsGT (NM_001440885.1); c.517+18_517+19delinsGT (NM_001293634.2, NM_001440884.1, NM_001440883.1).
Identifiers: ClinVar variation 2861257 (VCV002861257.3), dbSNP rs2494457815, ClinGen allele CA2739276074.
Genomic context (GRCh38, chr11:688,312, plus strand): 5'-GTAAATAAATCCCTGAAATAAATTCTAGCTATTCTGAAACGTGTTTTGCCCGAGGCCTGG[GG>AC]TGCAGGCACCGCTGTACCTGGGGTGAGGGGAGCTGCCGGGCCTTTCAGCCCGGTGGTCTC-3'